The following is an entry in ClinVar:

NM_000426.4(LAMA2):c.6706A>C (p.Arg2236=)

Gene: LAMA2 (laminin subunit alpha 2; plus strand). Cytogenetic location: 6q22.33.
Variant type: single nucleotide variant.
Coding change: c.6706A>C on transcript NM_000426.4 (MANE Select); coding-DNA position 6706, A replaced by C.
Protein change: p.Arg2236=; no amino-acid change (arginine 2236 retained).
Molecular consequence: synonymous variant.
Genome position (GRCh38, 1-based): chr6:129,454,287, A>C. VCF-style: chr6-129454287-A-C. GRCh37 (hg19) VCF-style: chr6-129775432-A-C.
Other names: c.6706A>C, p.Arg2236= (NM_001079823.2).
Identifiers: ClinVar variation 256082 (VCV000256082.5), dbSNP rs886038293, ClinGen allele CA10586927.

ClinVar aggregate classification (germline): Conflicting classifications of pathogenicity. Review status: criteria provided, conflicting classifications (1 of 4 stars). 3 submissions from 3 submitters: Uncertain significance (2); Likely benign (1). Last evaluated 2024-05-20.

Conditions:
LAMA2-related muscular dystrophy (LAMA2-RD). Also called: Laminin alpha 2-related dystrophy. Identifiers: MedGen C5679788, MONDO:0100228.

Submissions (3):

Labcorp Genetics (formerly Invitae), Labcorp
Classification: Uncertain significance for LAMA2-related muscular dystrophy. Last evaluated: 2024-05-20. Review status: criteria provided, single submitter. Criteria: Invitae Variant Classification Sherloc (09022015). Collection method: clinical testing. Allele origin: germline.
Comment: This sequence change affects codon 2236 of the LAMA2 mRNA. It is a 'silent' change, meaning that it does not change the encoded amino acid sequence of the LAMA2 protein. It affects a nucleotide within the consensus splice site. This variant is not present in population databases (gnomAD no frequency). This variant has not been reported in the literature in individuals affected with LAMA2-related conditions. ClinVar contains an entry for this variant (Variation ID: 256082). Algorithms developed to predict the effect of sequence changes on RNA splicing suggest that this variant is not likely to affect RNA splicing. In summary, the available evidence is currently insufficient to determine the role of this variant in disease. Therefore, it has been classified as a Variant of Uncertain Significance.

GeneDx
Classification: Uncertain significance. Last evaluated: 2023-08-14. Review status: criteria provided, single submitter. Criteria: GeneDx Variant Classification Process June 2021. Collection method: clinical testing. Allele origin: germline. Affected: yes.
Comment: Not observed at significant frequency in large population cohorts (gnomAD); In silico analysis suggests this variant may impact gene splicing. In the absence of RNA/functional studies, the actual effect of this sequence change is unknown.; Has not been previously published as pathogenic or benign to our knowledge

PreventionGenetics, part of Exact Sciences
Classification: Likely benign. Review status: criteria provided, single submitter. Criteria: ACMG Guidelines, 2015. Collection method: clinical testing. Allele origin: germline.